The following is an entry in ClinVar:

NM_139343.3(BIN1):c.775-3C>T

Gene: BIN1 (bridging integrator 1; minus strand). Cytogenetic location: 2q14.3.
Variant type: single nucleotide variant.
Coding change: c.775-3C>T on transcript NM_139343.3 (MANE Select); 3 bases into the intron before coding-DNA position 775, C replaced by T.
Molecular consequence: intron variant.
Genome position (GRCh38, 1-based): chr2:127,062,200, G>A on the plus strand (C>T on the coding strand, the complement: BIN1 is on the minus strand). VCF-style: chr2-127062200-G-A. GRCh37 (hg19) VCF-style: chr2-127819776-G-A.
Other names: c.694-3C>T (NM_001320642.1); c.610-3C>T (NM_001320634.1); c.682-3C>T (NM_139351.3, NM_139350.3, NM_139349.3 and 6 more transcripts); c.775-3C>T (NM_001320633.2, NM_139345.3, NM_139344.3 and 1 more transcripts).
Identifiers: ClinVar variation 1360211 (VCV001360211.6), dbSNP rs373768625, ClinGen allele CA1857324.

ClinVar aggregate classification (germline): Uncertain significance (1 of 4 stars; one submission).

Conditions:
Myopathy, centronuclear, 2 (CNM2). Also called: MYOTUBULAR MYOPATHY, AUTOSOMAL RECESSIVE. Identifiers: Orphanet 169186, MedGen CN031787, MONDO:0009709, OMIM 255200.

Allele frequency attached by ClinVar (database versions not stated): gnomAD exomes below 0.00001; ExAC 0.00001; TOPMed 0.00001; gnomAD 0.00002; ESP Exome Variant Server 0.00008.

Submission:

Labcorp Genetics (formerly Invitae), Labcorp
Classification: Uncertain significance for Myopathy, centronuclear, 2. Last evaluated: 2022-10-13. Review status: criteria provided, single submitter. Criteria: Invitae Variant Classification Sherloc (09022015). Collection method: clinical testing. Allele origin: germline.
Comment: In summary, the available evidence is currently insufficient to determine the role of this variant in disease. Therefore, it has been classified as a Variant of Uncertain Significance. Variants that disrupt the consensus splice site are a relatively common cause of aberrant splicing (PMID: 17576681, 9536098). Algorithms developed to predict the effect of sequence changes on RNA splicing suggest that this variant is not likely to affect RNA splicing. ClinVar contains an entry for this variant (Variation ID: 1360211). This variant has not been reported in the literature in individuals affected with BIN1-related conditions. The frequency data for this variant in the population databases is considered unreliable, as metrics indicate poor data quality at this position in the gnomAD database. This sequence change falls in intron 9 of the BIN1 gene. It does not directly change the encoded amino acid sequence of the BIN1 protein. It affects a nucleotide within the consensus splice site.

Literature cited by the submitters: PubMed 17576681; PubMed 9536098.